The following is an entry in ClinVar:

NM_001012338.3(NTRK3):c.61G>T (p.Val21Phe)

Genes: NTRK3 (neurotrophic receptor tyrosine kinase 3; minus strand), NTRK3-AS1 (NTRK3 antisense RNA 1; plus strand). Cytogenetic location: 15q25.3.
Variant type: single nucleotide variant.
Coding change: c.61G>T on transcript NM_001012338.3 (MANE Select); coding-DNA position 61, G replaced by T.
Protein change: p.Val21Phe; replaces valine 21 with phenylalanine.
Molecular consequence: missense variant.
Genome position (GRCh38, 1-based): chr15:88,256,093, C>A on the plus strand (G>T on the coding strand, the complement: NTRK3 is on the minus strand). VCF-style: chr15-88256093-C-A. GRCh37 (hg19) VCF-style: chr15-88799324-C-A.
Other names: c.61G>T, p.Val21Phe (NM_001007156.3, NM_001243101.2, NM_001320134.1 and 6 more transcripts); short protein forms V21F.
Identifiers: ClinVar variation 719029 (VCV000719029.6), dbSNP rs200822610, ClinGen allele CA7717427.

ClinVar aggregate classification (germline): Likely benign. Review status: criteria provided, single submitter (1 of 4 stars). 2 submissions from 2 submitters: Likely benign (1). 1 of the submissions does not count toward it. Last evaluated 2019-12-31.

Conditions:
NTRK3-related disorder. Also called: NTRK3-related condition.

Allele frequency attached by ClinVar (database versions not stated): TOPMed 0.00037; gnomAD exomes 0.00047; ExAC 0.00049; 1000 Genomes Project 30x 0.00078; 1000 Genomes Project 0.00100.
gnomAD v4.1: 502 of 1,612,052 alleles (0.031%); highest among the groups gnomAD compares: East Asian, 0.92%; 2 homozygotes.

Submissions (2):

Labcorp Genetics (formerly Invitae), Labcorp
Classification: Likely benign. Last evaluated: 2019-12-31. Review status: criteria provided, single submitter. Criteria: Invitae Variant Classification Sherloc (09022015). Collection method: clinical testing. Allele origin: germline.

PreventionGenetics, part of Exact Sciences
Classification: Likely benign for NTRK3-related condition. Last evaluated: 2019-10-28. Review status: no assertion criteria provided. Collection method: clinical testing. Allele origin: germline. Not counted in ClinVar's aggregate classification.
Comment: This variant is classified as likely benign based on ACMG/AMP sequence variant interpretation guidelines (Richards et al. 2015 PMID: 25741868, with internal and published modifications).